The following is an entry in ClinVar:

ClinVar aggregate classification (germline): Likely benign. Review status: reviewed by expert panel (3 of 4 stars). 2 submissions from 2 submitters: Likely benign (1). 1 of the submissions does not count toward it. Last evaluated 2026-05-19.

Conditions:
PIK3R1-related immunodeficiency and SHORT syndrome. Identifiers: MedGen CN379774, MONDO:1060136.
Agammaglobulinemia 7, autosomal recessive (AGM7). Also called: AGAMMAGLOBULINEMIA, AUTOSOMAL RECESSIVE, DUE TO PIK3R1 DEFECT. Identifiers: MedGen C3554689, MONDO:0014083, OMIM 615214.
SHORT syndrome. Also called: SHORT STATURE, HYPEREXTENSIBILITY, HERNIA, OCULAR DEPRESSION, RIEGER ANOMALY, AND TEETHING DELAY; LIPODYSTROPHY, PARTIAL, WITH RIEGER ANOMALY AND SHORT STATURE; PIK3R1-Related SHORT Syndrome. Identifiers: Orphanet 3163, MedGen C0878684, MONDO:0010026, OMIM 269880.
Immunodeficiency 36 with lymphoproliferation. Also called: Immunodeficiency 36; ACTIVATED PI3K-DELTA SYNDROME 2; Activated PI3K Delta Syndrome Type 2 (APDS2). Identifiers: Orphanet 397596, Orphanet 693681, MedGen C4014934, MONDO:0014453, OMIM 616005.

Allele frequency attached by ClinVar (database versions not stated): TOPMed 0.00014.
gnomAD v4.1: 38 of 1,408,006 alleles (0.0027%); highest among the groups gnomAD compares: African/African-American, 0.046%; no homozygotes.

Submissions (2):

ClinGen Primary Immune Regulatory Disorders Variant Curation Expert Panel, ClinGen
Classification: Likely benign for PIK3R1-related immunodeficiency and SHORT syndrome. Last evaluated: 2026-05-19. Review status: reviewed by expert panel. Criteria: ClinGen AbDef ACMG Specifications PIK3R1 V1.0.0. Collection method: curation. Allele origin: germline. Inheritance: Autosomal recessive inheritance.
Comment: NM_181523.3(PIK3R1):c.1300-15T>A is a variant in intron 10 located near the canonical splice donor site adjacent to exon 11. This variant is present in gnomAD v4.1.0 at a total allele frequency of 0.00002699, which is higher than the ClinGen Antibody Deficiencies PM2_Supporting threshold of <0.00000132. This variant is present in gnomAD v4.1.0 at a GrpMax allele frequency of 0.0002780, with 32 alleles / 69,102 total alleles] in the African/African American population, which is lower than the ClinGen Antibody Deficiencies VCEP BS1 threshold of >0.000316, so no population code is met. The splicing impact predictor SpliceAI gives a delta score of 0.00 for all splicing events, which is below the ClinGen Antibody Deficiencies VCEP recommended threshold of <0.1 and does not strongly predict an impact on splicing (BP4). In summary, this variant meets the criteria to be classified as likely benign for autosomal dominant PIK3R1-related immunodeficiency and SHORT syndrome based on the ACMG/AMP criteria applied, as specified by the ClinGen Antibody Deficiencies VCEP: BP4. (VCEP specifications version 1.0.0; date of approval 04/29/2026).

Labcorp Genetics (formerly Invitae), Labcorp
Classification: Likely benign for SHORT syndrome; Immunodeficiency 36 with lymphoproliferation; Agammaglobulinemia 7, autosomal recessive. Last evaluated: 2025-10-20. Review status: criteria provided, single submitter. Criteria: Invitae Variant Classification Sherloc (09022015). Collection method: clinical testing. Allele origin: germline. Not counted in ClinVar's aggregate classification.

NM_181523.3(PIK3R1):c.1300-15T>A

Gene: PIK3R1 (phosphoinositide-3-kinase regulatory subunit 1; plus strand). Cytogenetic location: 5q13.1.
Variant type: single nucleotide variant.
Coding change: c.1300-15T>A on transcript NM_181523.3 (MANE Select); 15 bases into the intron before coding-DNA position 1300, T replaced by A.
Molecular consequence: intron variant.
Genome position (GRCh38, 1-based): chr5:68,293,694, T>A. VCF-style: chr5-68293694-T-A. GRCh37 (hg19) VCF-style: chr5-67589522-T-A.
Other names: c.400-15T>A (NM_181524.2); c.490-15T>A (NM_181504.4); c.211-15T>A (NM_001242466.2).
Identifiers: ClinVar variation 1563713 (VCV001563713.9), dbSNP rs750356306, ClinGen allele CA3290369.